The following is an entry in ClinVar:

NM_005614.4(RHEB):c.187G>A (p.Gly63Arg)

Gene: RHEB (Ras homolog, mTORC1 binding; minus strand). Cytogenetic location: 7q36.1.
Variant type: single nucleotide variant.
Coding change: c.187G>A on transcript NM_005614.4 (MANE Select); coding-DNA position 187, G replaced by A.
Protein change: p.Gly63Arg; replaces glycine 63 with arginine.
Molecular consequence: missense variant.
Genome position (GRCh38, 1-based): chr7:151,484,742, C>T on the plus strand (G>A on the coding strand, the complement: RHEB is on the minus strand). VCF-style: chr7-151484742-C-T. GRCh37 (hg19) VCF-style: chr7-151181828-C-T.
Other names: short protein forms G63R.
Identifiers: ClinVar variation 3375814 (VCV003375814.1).

ClinVar aggregate classification (germline): Uncertain significance (1 of 4 stars; one submission).

Submission:

GeneDx
Classification: Uncertain significance. Last evaluated: 2024-05-09. Review status: criteria provided, single submitter. Criteria: GeneDx Variant Classification Process June 2021. Collection method: clinical testing. Allele origin: germline. Affected: yes.
Comment: Not observed at significant frequency in large population cohorts (gnomAD); In silico analysis supports that this missense variant has a deleterious effect on protein structure/function; Has not been previously published as pathogenic or benign to our knowledge; In silico analysis suggests this variant may impact gene splicing. In the absence of RNA/functional studies, the actual effect of this sequence change is unknown.